The following is an entry in ClinVar:

ClinVar aggregate classification (germline): Pathogenic. Review status: criteria provided, multiple submitters, no conflicts (2 of 4 stars). 2 submissions from 2 submitters: Pathogenic (2). Last evaluated 2023-08-10.

Conditions:
Inborn genetic diseases. Identifiers: MedGen C0950123, MeSH D030342.

Submissions (2):

Labcorp Genetics (formerly Invitae), Labcorp
Classification: Pathogenic. Last evaluated: 2023-08-10. Review status: criteria provided, single submitter. Criteria: Invitae Variant Classification Sherloc (09022015). Collection method: clinical testing. Allele origin: germline.
Comment: Variants that disrupt the consensus splice site are a relatively common cause of aberrant splicing (PMID: 17576681, 9536098). Studies have shown that this variant is associated with altered splicing resulting in multiple RNA products (PMID: 16470590). This sequence change falls in intron 2 of the SERPING1 gene. It does not directly change the encoded amino acid sequence of the SERPING1 protein. It affects a nucleotide within the consensus splice site. This variant is not present in population databases (gnomAD no frequency). This variant has been observed in individuals with hereditary angioedema (PMID: 15971231, 16470590, 24456027). It has also been observed to segregate with disease in related individuals. ClinVar contains an entry for this variant (Variation ID: 1745353). For these reasons, this variant has been classified as Pathogenic.

Ambry Genetics
Classification: Pathogenic for Inborn genetic diseases. Last evaluated: 2016-04-08. Review status: criteria provided, single submitter. Criteria: Ambry Variant Classification Scheme 2023. Collection method: clinical testing. Allele origin: germline.
Comment: The c.51+3A>G intronic pathogenic mutation results from an A to G substitution 3 nucleotides after coding exon 1 in the SERPING1 gene. This mutation was first identified in two unrelated families with hereditary angiodema (HAE) and reportedly segregated with disease (Roche O et al. Hum. Mutat. 2005; 26:135-44). In another study, three members of an Italian HAE family were heterozygous for this mutation (Bafunno V, Ann. Hum. Genet. 2014 Mar; 78(2):73-82). In addition, functional in vitro studies have found this alteration results in skipping of exon 2 in some transcripts; however, normal transcripts are also produced in this assay (Duponchel C et al. Hum. Mutat. 2006; 27:295-6; L&oacute;pez-Lera A et al. Mol. Immunol. 2011; 49:18-27). Based on supporting evidence, c.51+3A>G is interpreted as a disease-causing mutation.

Literature cited by the submitters: PubMed 17576681 (cited by Labcorp Genetics (formerly Invitae), Labcorp); PubMed 9536098 (cited by Labcorp Genetics (formerly Invitae), Labcorp); PubMed 16470590 (cited by Labcorp Genetics (formerly Invitae), Labcorp and Ambry Genetics); PubMed 15971231 (cited by Labcorp Genetics (formerly Invitae), Labcorp and Ambry Genetics); PubMed 24456027 (cited by Labcorp Genetics (formerly Invitae), Labcorp and Ambry Genetics); PubMed 21864911 (cited by Ambry Genetics).

NM_000062.3(SERPING1):c.51+3A>G

Gene: SERPING1 (serpin family G member 1; plus strand). Cytogenetic location: 11q12.1.
Variant type: single nucleotide variant.
Coding change: c.51+3A>G on transcript NM_000062.3 (MANE Select); 3 bases into the intron after coding-DNA position 51, A replaced by G.
Molecular consequence: intron variant.
Genome position (GRCh38, 1-based): chr11:57,598,324, A>G. VCF-style: chr11-57598324-A-G. GRCh37 (hg19) VCF-style: chr11-57365797-A-G.
Other names: c.51+3A>G (NM_001032295.2).
Identifiers: ClinVar variation 1745353 (VCV001745353.7), dbSNP rs2495421197, ClinGen allele CA2579981804.